The following is an entry in ClinVar:

NM_002432.3(MNDA):c.209A>C (p.Lys70Thr)

Gene: MNDA (myeloid cell nuclear differentiation antigen; plus strand). Cytogenetic location: 1q23.1.
Variant type: single nucleotide variant.
Coding change: c.209A>C on transcript NM_002432.3 (MANE Select); coding-DNA position 209, A replaced by C.
Protein change: p.Lys70Thr; replaces lysine 70 with threonine.
Molecular consequence: missense variant.
Genome position (GRCh38, 1-based): chr1:158,842,362, A>C. VCF-style: chr1-158842362-A-C. GRCh37 (hg19) VCF-style: chr1-158812152-A-C.
Other names: short protein forms K70T.
Identifiers: ClinVar variation 1785849 (VCV001785849.2), dbSNP rs2526075514, ClinGen allele CA343037037.

ClinVar aggregate classification (germline): Uncertain significance (1 of 4 stars; one submission).

Submission:

Ambry Genetics
Classification: Uncertain significance. Last evaluated: 2022-08-24. Review status: criteria provided, single submitter. Criteria: Ambry Variant Classification Scheme 2023. Collection method: clinical testing. Allele origin: germline.
Comment: The p.K70T variant (also known as c.209A>C), located in coding exon 1 of the MNDA gene, results from an A to C substitution at nucleotide position 209. The lysine at codon 70 is replaced by threonine, an amino acid with similar properties. This amino acid position is conserved. In addition, this alteration is predicted to be tolerated by in silico analysis. Since supporting evidence is limited at this time, the clinical significance of this alteration remains unclear.